The following is an entry in ClinVar:

ClinVar aggregate classification (germline): Pathogenic (1 of 4 stars; one submission).

Submission:

Labcorp Genetics (formerly Invitae), Labcorp
Classification: Pathogenic. Last evaluated: 2023-03-07. Review status: criteria provided, single submitter. Criteria: Invitae Variant Classification Sherloc (09022015). Collection method: clinical testing. Allele origin: germline.
Comment: This sequence change creates a premature translational stop signal (p.Ala864Leufs*4) in the SLC12A1 gene. It is expected to result in an absent or disrupted protein product. Loss-of-function variants in SLC12A1 are known to be pathogenic (PMID: 8640224, 9585600, 19096086). For these reasons, this variant has been classified as Pathogenic. This variant has not been reported in the literature in individuals affected with SLC12A1-related conditions. This variant is not present in population databases (gnomAD no frequency).

Literature cited by the submitters: PubMed 8640224; PubMed 9585600; PubMed 19096086.

NM_000338.3(SLC12A1):c.2589del (p.Ala864fs)

Gene: SLC12A1 (solute carrier family 12 member 1; plus strand). Cytogenetic location: 15q21.1.
Variant type: Deletion.
Coding change: c.2589del on transcript NM_000338.3 (MANE Select); coding-DNA position 2589, one base deleted (A; older notation c.2589delA).
Protein change: p.Ala864fs; shifts the reading frame from alanine 864.
Molecular consequence: frameshift variant.
Genome position (GRCh38, 1-based): chr15:48,285,209, A deleted; the last of 6 consecutive A bases (chr15:48,285,204-48,285,209); deleting any one gives the same sequence. VCF-style (leftmost placement, unchanged base first): chr15-48285203-TA-T. GRCh37 (hg19) VCF-style: chr15-48577400-TA-T.
Other names: c.2589del, p.Ala864fs (NM_001184832.2, NM_001384136.1); short protein forms A864fs.
Identifiers: ClinVar variation 2843375 (VCV002843375.3), dbSNP rs35294392, ClinGen allele CA269451111.